The following is an entry in ClinVar:

ClinVar aggregate classification (germline): Benign. Review status: reviewed by expert panel (3 of 4 stars). 7 submissions from 7 submitters: Benign (1). 6 of the submissions do not count toward it. Last evaluated 2017-05-09.

Conditions:
RASopathy. Also called: rasopathies; Noonan spectrum disorder. Identifiers: Orphanet 536391, MedGen C5555857, MONDO:0021060.
Cardiovascular phenotype. Identifiers: MedGen CN230736.

Allele frequency attached by ClinVar (database versions not stated): gnomAD exomes 0.00013; ESP Exome Variant Server 0.00046; 1000 Genomes Project 30x 0.00047; TOPMed 0.00048; ExAC 0.00055; gnomAD 0.00056 and 0.00059; 1000 Genomes Project 0.00060.

Submissions (7):

ClinGen RASopathy Variant Curation Expert Panel
Classification: Benign for Noonan syndrome and Noonan-related syndrome. Last evaluated: 2017-05-09. Review status: reviewed by expert panel. Criteria: ClinGen RASopathy ACMG Specifications v1. Collection method: curation. Allele origin: germline. Inheritance: Autosomal dominant inheritance.
Comment: The filtering allele frequency of the c.1074G>A (p.Ala358=) variant in the MAP2K2 gene is 0.174% (10/3124) of African chromosomes by the Exome Aggregation Consortium, which is a high enough frequency to be classified as benign based on thresholds defined by the ClinGen RASopathy Expert Panel (BA1; PMID:29493581)

Labcorp Genetics (formerly Invitae), Labcorp
Classification: Benign for RASopathy. Last evaluated: 2026-01-26. Review status: criteria provided, single submitter. Criteria: Invitae Variant Classification Sherloc (09022015). Collection method: clinical testing. Allele origin: germline. Not counted in ClinVar's aggregate classification.

Blueprint Genetics
Classification: Likely benign. Last evaluated: 2024-10-18. Review status: criteria provided, single submitter. Criteria: ACMG Guidelines, 2015. Collection method: clinical testing. Allele origin: germline. Not counted in ClinVar's aggregate classification.

Ambry Genetics
Classification: Likely benign for Cardiovascular phenotype. Last evaluated: 2022-05-15. Review status: criteria provided, single submitter. Criteria: Ambry Variant Classification Scheme 2023. Collection method: clinical testing. Allele origin: germline. Not counted in ClinVar's aggregate classification.

Women's Health and Genetics/Laboratory Corporation of America, LabCorp
Classification: Benign. Last evaluated: 2018-09-02. Review status: criteria provided, single submitter. Criteria: LabCorp Variant Classification Summary - May 2015. Collection method: clinical testing. Allele origin: germline. Not counted in ClinVar's aggregate classification.
Comment: Variant summary: MAP2K2 c.1074G>A alters a non-conserved nucleotide resulting in a synonymous change. 5/5 computational tools predict no significant impact on normal splicing. However, these predictions have yet to be confirmed by functional studies. The variant allele was found at a frequency of 0.00021 in 203332 control chromosomes, predominantly at a frequency of 0.0021 within the African subpopulation in the gnomAD database. The observed variant frequency within African control individuals in the gnomAD database is approximately 840-folds higher than the estimated maximal expected allele frequency for a pathogenic variant in MAP2K2 causing Noonan Syndrome and Related Conditions phenotype (2.5e-06), strongly suggesting that the variant is a benign polymorphism found primarily in populations of African origin. To our knowledge, no occurrence of c.1074G>A in individuals affected with Noonan Syndrome and Related Conditions and no experimental evidence demonstrating its impact on protein function have been reported. Three ClinVar submissions from other clinical diagnostic laboratories (evaluation after 2014) cites the variant as likely benign/benign. Based on the evidence outlined above, the variant was classified as benign.

GeneDx
Classification: Benign. Last evaluated: 2015-09-08. Review status: criteria provided, single submitter. Criteria: GeneDx Variant Classification (06012015). Collection method: clinical testing. Allele origin: germline. Affected: yes. Not counted in ClinVar's aggregate classification.
Comment: This variant is considered likely benign or benign based on one or more of the following criteria: it is a conservative change, it occurs at a poorly conserved position in the protein, it is predicted to be benign by multiple in silico algorithms, and/or has population frequency not consistent with disease.

PreventionGenetics, part of Exact Sciences
Classification: Benign. Review status: criteria provided, single submitter. Criteria: ACMG Guidelines, 2015. Collection method: clinical testing. Allele origin: germline. Not counted in ClinVar's aggregate classification.

NM_030662.4(MAP2K2):c.1074G>A (p.Ala358=)

Gene: MAP2K2 (mitogen-activated protein kinase kinase 2; minus strand). Cytogenetic location: 19p13.3.
Variant type: single nucleotide variant.
Coding change: c.1074G>A on transcript NM_030662.4 (MANE Select); coding-DNA position 1074, G replaced by A.
Protein change: p.Ala358=; no amino-acid change (alanine 358 retained).
Molecular consequence: synonymous variant.
Genome position (GRCh38, 1-based): chr19:4,094,471, C>T on the plus strand (G>A on the coding strand, the complement: MAP2K2 is on the minus strand). VCF-style: chr19-4094471-C-T. GRCh37 (hg19) VCF-style: chr19-4094469-C-T.
Other names: NM_030662.3(MAP2K2):c.1074G>A.
Identifiers: ClinVar variation 261928 (VCV000261928.17), dbSNP rs140896887, ClinGen allele CA9090706.